The following is an entry in ClinVar:

ClinVar aggregate classification (germline): Uncertain significance (1 of 4 stars; one submission).

Conditions:
Anophthalmia-microphthalmia syndrome. Also called: Anophthalmia - microphthalmia; Anophthalmia/Microphthalmia. Identifiers: Orphanet 98555, MedGen C5680330, MONDO:0020147.

Submission:

Labcorp Genetics (formerly Invitae), Labcorp
Classification: Uncertain significance for Anophthalmia-microphthalmia syndrome. Last evaluated: 2021-04-27. Review status: criteria provided, single submitter. Criteria: Invitae Variant Classification Sherloc (09022015). Collection method: clinical testing. Allele origin: germline.
Comment: In summary, the available evidence is currently insufficient to determine the role of this variant in disease. Therefore, it has been classified as a Variant of Uncertain Significance. This variant has not been reported in the literature in individuals with OTX2-related conditions. Algorithms developed to predict the effect of missense changes on protein structure and function (SIFT, PolyPhen-2, Align-GVGD) all suggest that this variant is likely to be disruptive, but these predictions have not been confirmed by published functional studies and their clinical significance is uncertain. This sequence change replaces leucine with proline at codon 25 of the OTX2 protein (p.Leu25Pro). The leucine residue is highly conserved and there is a moderate physicochemical difference between leucine and proline. This variant is not present in population databases (ExAC no frequency).

NM_021728.4(OTX2):c.74T>C (p.Leu25Pro)

Gene: OTX2 (orthodenticle homeobox 2; minus strand). Cytogenetic location: 14q22.3.
Variant type: single nucleotide variant.
Coding change: c.74T>C on transcript NM_021728.4 (MANE Select); coding-DNA position 74, T replaced by C.
Protein change: p.Leu25Pro; replaces leucine 25 with proline.
Molecular consequence: missense variant. On other transcripts: non-coding transcript variant (2).
Genome position (GRCh38, 1-based): chr14:56,805,383, A>G on the plus strand (T>C on the coding strand, the complement: OTX2 is on the minus strand). VCF-style: chr14-56805383-A-G. GRCh37 (hg19) VCF-style: chr14-57272101-A-G.
Other names: c.74T>C, p.Leu25Pro (NM_001270523.2, NM_001270524.2, NM_001270525.2 and 1 more transcripts); short protein forms L25P.
Identifiers: ClinVar variation 1446387 (VCV001446387.8), dbSNP rs2139537214, ClinGen allele CA390052673.